The following is an entry in ClinVar:

NM_003072.5(SMARCA4):c.4769-1G>T

Gene: SMARCA4 (SWI/SNF related BAF chromatin remodeling complex subunit ATPase 4; plus strand). Cytogenetic location: 19p13.2.
Variant type: single nucleotide variant.
Coding change: c.4769-1G>T on transcript NM_003072.5 (MANE Select); the canonical splice acceptor site of the intron before coding-DNA position 4769, G replaced by T.
Molecular consequence: splice acceptor variant.
Genome position (GRCh38, 1-based): chr19:11,060,044, G>T. VCF-style: chr19-11060044-G-T. GRCh37 (hg19) VCF-style: chr19-11170720-G-T.
Other names: c.4769-1G>T (NM_001128844.3); c.4865-1G>T (NM_001128849.3, NM_001387283.1); c.4670-1G>T (NM_001128847.4, NM_001374457.1); c.4766-1G>T (NM_001411150.1); c.4679-1G>T (NM_001128845.2); c.4676-1G>T (NM_001128846.2); c.4667-1G>T (NM_001128848.2).
Identifiers: ClinVar variation 5038390 (VCV005038390.1).

ClinVar aggregate classification (germline): Uncertain significance (1 of 4 stars; one submission).

Conditions:
Rhabdoid tumor predisposition syndrome 2 (RTPS2). Identifiers: Orphanet 231108, Orphanet 69077, MedGen C2750074, MONDO:0013224, OMIM 613325.

Submission:

St. Jude Molecular Pathology, St. Jude Children's Research Hospital
Classification: Uncertain significance for Rhabdoid tumor predisposition syndrome 2. Last evaluated: 2026-10-01. Review status: criteria provided, single submitter. Criteria: St. Jude Assertion Criteria 2020. Collection method: clinical testing. Allele origin: germline.
Comment: The SMARCA4 c.4865-1G>T intronic change results in a G to T substitution at the -1 position of intron 34 of the SMARCA4 gene. Algorithms that predict the impact of sequence changes on splicing indicate that this chang e impacts splicing, however the functional impact is unknown. To our knowledge, this variant has not been reported in individuals with rhabdoid tumor predisposition syndrome. This variant is absent in gnomAD v2.1.1. I n summary, the evidence currently available is insufficient to determine the clinical significance of this variant. It has therefore been classified as of uncertain significance.